The following is an entry in ClinVar:

ClinVar aggregate classification (germline): Uncertain significance (1 of 4 stars; one submission).

Conditions:
Inborn genetic diseases. Identifiers: MedGen C0950123, MeSH D030342.

Submission:

Ambry Genetics
Classification: Uncertain significance for Inborn genetic diseases. Last evaluated: 2025-07-04. Review status: criteria provided, single submitter. Criteria: Ambry Variant Classification Scheme 2023. Collection method: clinical testing. Allele origin: germline.
Comment: The p.K1639R variant (also known as c.4916A>G), located in coding exon 20 of the FANCM gene, results from an A to G substitution at nucleotide position 4916. The lysine at codon 1639 is replaced by arginine, an amino acid with highly similar properties. This amino acid position is conserved. In addition, this alteration is predicted to be tolerated by in silico analysis. Based on the available evidence, the clinical significance of this variant remains unclear.

NM_020937.4(FANCM):c.4916A>G (p.Lys1639Arg)

Gene: FANCM (FA complementation group M; plus strand). Cytogenetic location: 14q21.2.
Variant type: single nucleotide variant.
Coding change: c.4916A>G on transcript NM_020937.4 (MANE Select); coding-DNA position 4916, A replaced by G.
Protein change: p.Lys1639Arg; replaces lysine 1639 with arginine.
Molecular consequence: missense variant.
Genome position (GRCh38, 1-based): chr14:45,188,938, A>G. VCF-style: chr14-45188938-A-G. GRCh37 (hg19) VCF-style: chr14-45658141-A-G.
Other names: c.4838A>G, p.Lys1613Arg (NM_001308133.2); short protein forms K1613R, K1639R.
Identifiers: ClinVar variation 4254569 (VCV004254569.1).